The following is an entry in ClinVar:

ClinVar aggregate classification (germline): Uncertain significance (1 of 4 stars; one submission).

Conditions:
Hereditary nonpolyposis colorectal neoplasms. Identifiers: MedGen C0009405, MeSH D003123.

Submission:

Labcorp Genetics (formerly Invitae), Labcorp
Classification: Uncertain significance for Hereditary nonpolyposis colorectal neoplasms. Last evaluated: 2020-05-15. Review status: criteria provided, single submitter. Criteria: Invitae Variant Classification Sherloc (09022015). Collection method: clinical testing. Allele origin: germline.
Comment: In summary, the available evidence is currently insufficient to determine the role of this variant in disease. Therefore, it has been classified as a Variant of Uncertain Significance. Algorithms developed to predict the effect of missense changes on protein structure and function do not agree on the potential impact of this missense change (SIFT: "Deleterious"; PolyPhen-2: "Possibly Damaging"; Align-GVGD: "Class C0"). This variant has not been reported in the literature in individuals with PMS2-related disease. This variant is not present in population databases (ExAC no frequency). This sequence change replaces glutamic acid with glutamine at codon 225 of the PMS2 protein (p.Glu225Gln). The glutamic acid residue is moderately conserved and there is a small physicochemical difference between glutamic acid and glutamine.

NM_000535.7(PMS2):c.673G>C (p.Glu225Gln)

Gene: PMS2 (PMS1 homolog 2, mismatch repair system component; minus strand). Cytogenetic location: 7p22.1.
Variant type: single nucleotide variant.
Coding change: c.673G>C on transcript NM_000535.7 (MANE Select); coding-DNA position 673, G replaced by C.
Protein change: p.Glu225Gln; replaces glutamic acid 225 with glutamine.
Molecular consequence: missense variant. On other transcripts: 5 prime UTR variant (2), non-coding transcript variant (1), intron variant (1).
Genome position (GRCh38, 1-based): chr7:5,999,140, C>G on the plus strand (G>C on the coding strand, the complement: PMS2 is on the minus strand). VCF-style: chr7-5999140-C-G. GRCh37 (hg19) VCF-style: chr7-6038771-C-G.
Other names: c.268G>C, p.Glu90Gln (NM_001322003.2, NM_001322004.2, NM_001322005.2 and 2 more transcripts); c.673G>C, p.Glu225Gln (NM_001322006.2, NM_001322014.2); c.355G>C, p.Glu119Gln (NM_001322007.2, NM_001322008.2); c.-261G>C (NM_001322011.2, NM_001322012.2); c.364G>C, p.Glu122Gln (NM_001322015.2); c.133-1717G>C (NM_001322013.2); short protein forms E225Q, E90Q, E122Q, E119Q.
Identifiers: ClinVar variation 573806 (VCV000573806.8), dbSNP rs1562677770, ClinGen allele CA366743874.
Genomic context (GRCh38, chr7:5,999,140, plus strand): 5'-AGGCGTTGAAGTAACCGGCCATCACTACCTGCTTCTGCCCAAACACAGAGCCGATATTTT[C>G]CTTTATGCTGGGGCTTCCACCTGTGCATACCACAGGCTGTCGTTTTCCTTGTCCAAGCTG-3'
Protein context (NP_000526.2, residues 215-235): VCTGGSPSIK[Glu225Gln]NIGSVFGQKQ